The following is an entry in ClinVar:

NM_002863.5(PYGL):c.932G>A (p.Arg311His)

Gene: PYGL (glycogen phosphorylase L; minus strand). Cytogenetic location: 14q22.1.
Variant type: single nucleotide variant.
Coding change: c.932G>A on transcript NM_002863.5 (MANE Select); coding-DNA position 932, G replaced by A.
Protein change: p.Arg311His; replaces arginine 311 with histidine.
Molecular consequence: missense variant.
Genome position (GRCh38, 1-based): chr14:50,917,029, C>T on the plus strand (G>A on the coding strand, the complement: PYGL is on the minus strand). VCF-style: chr14-50917029-C-T. GRCh37 (hg19) VCF-style: chr14-51383747-C-T.
Other names: c.830G>A, p.Arg277His (NM_001163940.2); short protein forms R277H, R311H.
Identifiers: ClinVar variation 3907608 (VCV003907608.1).

ClinVar aggregate classification (germline): Uncertain significance (1 of 4 stars; one submission).

gnomAD v4.1: 100 of 1,613,834 alleles (0.0062%); highest among the groups gnomAD compares: Non-Finnish European, 0.0074%; no homozygotes.

Submission:

Women's Health and Genetics/Laboratory Corporation of America, LabCorp
Classification: Uncertain significance. Last evaluated: 2025-06-20. Review status: criteria provided, single submitter. Criteria: LabCorp Variant Classification Summary - May 2015. Collection method: clinical testing. Allele origin: germline.
Comment: Variant summary: PYGL c.932G>A (p.Arg311His) results in a non-conservative amino acid change in the encoded protein sequence. Algorithms developed to predict the effect of missense changes on protein structure and function all suggest that this variant is likely to be disruptive. The variant allele was found at a frequency of 5.6e-05 in 251480 control chromosomes. This frequency is not significantly higher than estimated for a pathogenic variant in PYGL causing Glycogen storage disease, type VI, allowing no conclusion about variant significance. c.932G>A has been observed in one individual affected with Glycogen storage disease, type VI (Vanduangde_2024). These data do not allow any conclusion about variant significance. To our knowledge, no experimental evidence demonstrating an impact on protein function has been reported. The following publication has been ascertained in the context of this evaluation (PMID: 39654668). No submitters have cited clinical-significance assessments for this variant to ClinVar. Based on the evidence outlined above, the variant was classified as uncertain significance.

Literature cited by the submitters: PubMed 39654668.